The following is an entry in ClinVar:

ClinVar aggregate classification (germline): Uncertain significance (1 of 4 stars; one submission).

Conditions:
Inborn genetic diseases. Identifiers: MedGen C0950123, MeSH D030342.

gnomAD v4.1: 4 of 1,613,032 alleles (0.00025%); highest among the groups gnomAD compares: South Asian, 0.0022%; no homozygotes.

Submission:

Ambry Genetics
Classification: Uncertain significance for Inborn genetic diseases. Last evaluated: 2024-07-12. Review status: criteria provided, single submitter. Criteria: Ambry Variant Classification Scheme 2023. Collection method: clinical testing. Allele origin: germline.
Comment: The c.1438-6C>T intronic alteration consists of a C to T substitution 6 nucleotides before exon 5 of the HCN2 gene. Based on insufficient or conflicting evidence, the clinical significance of this alteration remains unclear.

NM_001194.4(HCN2):c.1438-6C>T

Gene: HCN2 (hyperpolarization activated cyclic nucleotide gated potassium and sodium channel 2; plus strand). Cytogenetic location: 19p13.3.
Variant type: single nucleotide variant.
Coding change: c.1438-6C>T on transcript NM_001194.4 (MANE Select); 6 bases into the intron before coding-DNA position 1438, C replaced by T.
Molecular consequence: intron variant.
Genome position (GRCh38, 1-based): chr19:610,253, C>T. VCF-style: chr19-610253-C-T. GRCh37 (hg19) VCF-style: chr19-610253-C-T.
Identifiers: ClinVar variation 3524217 (VCV003524217.1).
Genomic context (GRCh38, chr19:610,253, plus strand): 5'-CAGGTGCCCCTGTGCCCGCTGCAGGCCGGGGGCGGTGTCTGACCCAGCCTCGCCTCCTCC[C>T]CACAGTACAAGCAGGTGGAGCAGTACATGTCCTTCCACAAGCTGCCAGCTGACTTCCGCC-3'